The following is an entry in ClinVar:

NM_000053.4(ATP7B):c.2114T>G (p.Phe705Cys)

Gene: ATP7B (ATPase copper transporting beta; minus strand). Cytogenetic location: 13q14.3.
Variant type: single nucleotide variant.
Coding change: c.2114T>G on transcript NM_000053.4 (MANE Select); coding-DNA position 2114, T replaced by G.
Protein change: p.Phe705Cys; replaces phenylalanine 705 with cysteine.
Molecular consequence: missense variant. On other transcripts: intron variant (2).
Genome position (GRCh38, 1-based): chr13:51,960,155, A>C on the plus strand (T>G on the coding strand, the complement: ATP7B is on the minus strand). VCF-style: chr13-51960155-A-C. GRCh37 (hg19) VCF-style: chr13-52534291-A-C.
Other names: c.1781T>G, p.Phe594Cys (NM_001243182.2); c.2114T>G, p.Phe705Cys (NM_001330578.2); c.1870-2548T>G (NM_001005918.3); c.1870-1611T>G (NM_001330579.2); short protein forms F705C, F594C.
Identifiers: ClinVar variation 1416885 (VCV001416885.5), dbSNP rs756971846, ClinGen allele CA6989118.

ClinVar aggregate classification (germline): Uncertain significance. Review status: criteria provided, multiple submitters, no conflicts (2 of 4 stars). 2 submissions from 2 submitters: Uncertain significance (2). Last evaluated 2024-08-06.

Conditions:
Wilson disease (WND). Also called: Wilson's disease. Identifiers: Orphanet 905, MedGen C0019202, MONDO:0010200, OMIM 277900. Disease mechanism: loss of function.

Allele frequency attached by ClinVar (database versions not stated): gnomAD exomes below 0.00001 and 0.00001; TOPMed below 0.00001; ExAC 0.00001; gnomAD 0.00001.
gnomAD v4.1: 8 of 1,613,744 alleles (0.0005%); highest among the groups gnomAD compares: Non-Finnish European, 0.00068%; no homozygotes.

Submissions (2):

All of Us Research Program, National Institutes of Health
Classification: Uncertain significance for Wilson disease. Last evaluated: 2024-08-06. Review status: criteria provided, single submitter. Criteria: ACMG Guidelines, 2015. Collection method: clinical testing. Allele origin: germline. Inheritance: Autosomal recessive inheritance. Observed: 4 variant alleles, 4 heterozygotes.
Comment: This missense variant replaces phenylalanine with cysteine at codon 705 of the ATP7B protein. Computational prediction suggests that this variant may have deleterious impact on protein structure and function (internally defined REVEL score threshold >= 0.7, PMID: 27666373). To our knowledge, functional studies have not been reported for this variant. This variant has not been reported in individuals affected with ATP7B-related disorders in the literature. This variant has been identified in 2/280564 chromosomes in the general population by the Genome Aggregation Database (gnomAD). The available evidence is insufficient to determine the role of this variant in disease conclusively. Therefore, this variant is classified as a Variant of Uncertain Significance.

This study involves interpretation of variants in research participants for the purpose of population health screening. Participant phenotype was not available at the time of variant classification. Additional details can be found in publication PMID: 35346344, PMCID: PMC8962531

Labcorp Genetics (formerly Invitae), Labcorp
Classification: Uncertain significance for Wilson disease. Last evaluated: 2022-05-09. Review status: criteria provided, single submitter. Criteria: Invitae Variant Classification Sherloc (09022015). Collection method: clinical testing. Allele origin: germline.
Comment: This sequence change replaces phenylalanine, which is neutral and non-polar, with cysteine, which is neutral and slightly polar, at codon 705 of the ATP7B protein (p.Phe705Cys). This variant is present in population databases (rs756971846, gnomAD 0.002%). This variant has not been reported in the literature in individuals affected with ATP7B-related conditions. Algorithms developed to predict the effect of missense changes on protein structure and function (SIFT, PolyPhen-2, Align-GVGD) all suggest that this variant is likely to be disruptive. In summary, the available evidence is currently insufficient to determine the role of this variant in disease. Therefore, it has been classified as a Variant of Uncertain Significance.